The following is an entry in ClinVar:

ClinVar aggregate classification (germline): Uncertain significance (1 of 4 stars; one submission).

Conditions:
Walker-Warburg congenital muscular dystrophy. Also called: Muscular dystrophy-dystroglycanopathy, type A; Walker-Warburg syndrome. Identifiers: Orphanet 899, MedGen C0265221, MONDO:0000171.

Submission:

Labcorp Genetics (formerly Invitae), Labcorp
Classification: Uncertain significance for Walker-Warburg congenital muscular dystrophy. Last evaluated: 2022-09-13. Review status: criteria provided, single submitter. Criteria: Invitae Variant Classification Sherloc (09022015). Collection method: clinical testing. Allele origin: germline.
Comment: This sequence change creates a premature translational stop signal (p.Gln482Serfs*8) in the FKRP gene. While this is not anticipated to result in nonsense mediated decay, it is expected to disrupt the last 14 amino acid(s) of the FKRP protein. This variant is not present in population databases (gnomAD no frequency). This variant has not been reported in the literature in individuals affected with FKRP-related conditions. This variant disrupts a region of the FKRP protein in which other variant(s) (p.Tyr483Cys) have been observed in individuals with FKRP-related conditions (PMID: 33200426). This suggests that this is a clinically significant region of the protein, and that variants that disrupt it are likely to be disease-causing. In summary, the available evidence is currently insufficient to determine the role of this variant in disease. Therefore, it has been classified as a Variant of Uncertain Significance.

Literature cited by the submitters: PubMed 33200426.

NM_024301.5(FKRP):c.1444del (p.Gln482fs)

Gene: FKRP (fukutin related protein; plus strand). Cytogenetic location: 19q13.32.
Variant type: Deletion.
Coding change: c.1444del on transcript NM_024301.5 (MANE Select); coding-DNA position 1444, one base deleted (C; older notation c.1444delC).
Protein change: p.Gln482fs; shifts the reading frame from glutamine 482.
Molecular consequence: frameshift variant.
Genome position (GRCh38, 1-based): chr19:46,756,894, C deleted; the last of 5 consecutive C bases (chr19:46,756,890-46,756,894); deleting any one gives the same sequence. VCF-style (leftmost placement, unchanged base first): chr19-46756889-AC-A. GRCh37 (hg19) VCF-style: chr19-47260146-AC-A.
Other names: c.1444del, p.Gln482fs (NM_001039885.3); short protein forms Q482fs.
Identifiers: ClinVar variation 1919943 (VCV001919943.2), dbSNP rs2054941287, ClinGen allele CA2339067865.